The following is an entry in ClinVar:

NM_001330691.3(CEP78):c.1736C>T (p.Ala579Val)

Gene: CEP78 (centrosomal protein 78; plus strand). Cytogenetic location: 9q21.2.
Variant type: single nucleotide variant.
Coding change: c.1736C>T on transcript NM_001330691.3 (MANE Select); coding-DNA position 1736, C replaced by T.
Protein change: p.Ala579Val; replaces alanine 579 with valine.
Molecular consequence: missense variant.
Genome position (GRCh38, 1-based): chr9:78,265,482, C>T. VCF-style: chr9-78265482-C-T. GRCh37 (hg19) VCF-style: chr9-80880398-C-T.
Other names: c.1739C>T, p.Ala580Val (NM_001098802.3, NM_001349839.2, NM_001349840.2 and 1 more transcripts); c.1736C>T, p.Ala579Val (NM_001330693.3, NM_001330694.2, NM_001349838.2); c.1739C>T (NM_001098802.1); short protein forms A580V, A579V.
Identifiers: ClinVar variation 2140413 (VCV002140413.5), dbSNP rs747976954, ClinGen allele CA5095340.

ClinVar aggregate classification (germline): Uncertain significance. Review status: criteria provided, multiple submitters, no conflicts (2 of 4 stars). 2 submissions from 2 submitters: Uncertain significance (2). Last evaluated 2023-05-24.

Conditions:
Inborn genetic diseases. Identifiers: MedGen C0950123, MeSH D030342.

Allele frequency attached by ClinVar (database versions not stated): ExAC 0.00006.
gnomAD v4.1: 24 of 1,589,364 alleles (0.0015%); highest among the groups gnomAD compares: South Asian, 0.0034%; no homozygotes.

Submissions (2):

Ambry Genetics
Classification: Uncertain significance for Inborn genetic diseases. Last evaluated: 2023-05-24. Review status: criteria provided, single submitter. Criteria: Ambry Variant Classification Scheme 2023. Collection method: clinical testing. Allele origin: germline.

Labcorp Genetics (formerly Invitae), Labcorp
Classification: Uncertain significance. Last evaluated: 2022-05-28. Review status: criteria provided, single submitter. Criteria: Invitae Variant Classification Sherloc (09022015). Collection method: clinical testing. Allele origin: germline.
Comment: In summary, the available evidence is currently insufficient to determine the role of this variant in disease. Therefore, it has been classified as a Variant of Uncertain Significance. This sequence change replaces alanine, which is neutral and non-polar, with valine, which is neutral and non-polar, at codon 580 of the CEP78 protein (p.Ala580Val). This variant is present in population databases (rs747976954, gnomAD 0.008%). This variant has not been reported in the literature in individuals affected with CEP78-related conditions. Algorithms developed to predict the effect of missense changes on protein structure and function (SIFT, PolyPhen-2, Align-GVGD) all suggest that this variant is likely to be tolerated.